The following is an entry in ClinVar:

ClinVar aggregate classification (germline): Pathogenic (1 of 4 stars; one submission).

Conditions:
Intellectual developmental disorder with microcephaly and with or without ocular malformations or hypogonadotropic hypogonadism. Also called: Intellectual disability, autosomal dominant 27; Coffin-Siris Syndrome 9. Identifiers: Orphanet 1465, MedGen C4014528, MONDO:0014376, OMIM 615866.

Submission:

SIB Swiss Institute of Bioinformatics
Classification: Pathogenic for Intellectual developmental disorder with microcephaly and with or without ocular malformations or hypogonadotropic hypogonadism. Last evaluated: 2023-03-09. Review status: criteria provided, single submitter. Criteria: ACMG Guidelines, 2015. Collection method: curation. Allele origin: unknown.
Comment: This variant is interpreted as pathogenic for Intellectual developmental disorder with microcephaly and with or without ocular malformations or hypogonadotropic hypogonadism, autosomal dominant. The following ACMG Tag(s) were applied: Absent from controls (or at extremely low frequency if recessive) in Exome Sequencing Project, 1000 Genomes Project, or Exome Aggregation Consortium (PM2); De novo paternity and maternity confirmed (PS2); Located in a mutational hot spot and/or critical and well-established functional domain (e.g., active site of an enzyme) without benign variation (PM1); Well-established functional studies show a deleterious effect (PS3 downgraded to supporting); Multiple lines of computational evidence support a deleterious effect on the gene or gene product (PP3).

Literature cited by the submitters: PubMed 26543203.

NM_003108.4(SOX11):c.150G>C (p.Lys50Asn)

Gene: SOX11 (SRY-box transcription factor 11; plus strand). Cytogenetic location: 2p25.2.
Variant type: single nucleotide variant.
Coding change: c.150G>C on transcript NM_003108.4 (MANE Select); coding-DNA position 150, G replaced by C.
Protein change: p.Lys50Asn; replaces lysine 50 with asparagine.
Molecular consequence: missense variant.
Genome position (GRCh38, 1-based): chr2:5,692,871, G>C. VCF-style: chr2-5692871-G-C. GRCh37 (hg19) VCF-style: chr2-5833003-G-C.
Other names: short protein forms K50N.
Identifiers: ClinVar variation 2443029 (VCV002443029.1), dbSNP rs2465087384, ClinGen allele CA345866048.
Genomic context (GRCh38, chr2:5,692,871, plus strand): 5'-CCCGGTGGCCCTGGACGAGAGCGACCCAGACTGGTGCAAGACGGCGTCGGGCCACATCAA[G>C]CGGCCGATGAACGCGTTCATGGTATGGTCCAAGATCGAACGCAGGAAGATCATGGAGCAG-3'
Protein context (NP_003099.1, residues 40-60): DWCKTASGHI[Lys50Asn]RPMNAFMVWS